The following is an entry in ClinVar:

ClinVar aggregate classification (germline): Uncertain significance (1 of 4 stars; one submission).

gnomAD v4.1: 1 of 1,606,380 alleles (0.000062%); highest among the groups gnomAD compares: Non-Finnish European, 0.000085%; no homozygotes.

Submission:

Labcorp Genetics (formerly Invitae), Labcorp
Classification: Uncertain significance. Last evaluated: 2024-05-22. Review status: criteria provided, single submitter. Criteria: Invitae Variant Classification Sherloc (09022015). Collection method: clinical testing. Allele origin: germline.
Comment: This sequence change replaces glutamic acid, which is acidic and polar, with glutamine, which is neutral and polar, at codon 279 of the LRRC56 protein (p.Glu279Gln). This variant is not present in population databases (gnomAD no frequency). This variant has not been reported in the literature in individuals affected with LRRC56-related conditions. Advanced modeling of protein sequence and biophysical properties (such as structural, functional, and spatial information, amino acid conservation, physicochemical variation, residue mobility, and thermodynamic stability) performed at Invitae indicates that this missense variant is not expected to disrupt LRRC56 protein function with a negative predictive value of 80%. In summary, the available evidence is currently insufficient to determine the role of this variant in disease. Therefore, it has been classified as a Variant of Uncertain Significance.

NM_198075.4(LRRC56):c.835G>C (p.Glu279Gln)

Gene: LRRC56 (leucine rich repeat containing 56; plus strand). Cytogenetic location: 11p15.5.
Variant type: single nucleotide variant.
Coding change: c.835G>C on transcript NM_198075.4 (MANE Select); coding-DNA position 835, G replaced by C.
Protein change: p.Glu279Gln; replaces glutamic acid 279 with glutamine.
Molecular consequence: missense variant.
Genome position (GRCh38, 1-based): chr11:551,689, G>C. VCF-style: chr11-551689-G-C. GRCh37 (hg19) VCF-style: chr11-551689-G-C.
Other names: short protein forms E279Q.
Identifiers: ClinVar variation 3654276 (VCV003654276.2).
Genomic context (GRCh38, chr11:551,689, plus strand): 5'-TCTGCTTCTGAACCTCGGGCAGACTGTCCCCGTGGAGCCCCCATCCGGAGACTTGACCCC[G>C]AGCTGTCCCTGCCTGAGACGCAGTCCCGGGCCTCCAGGCCCTGGCCCTTCTCCCTGCTGG-3'
Protein context (NP_932341.1, residues 269-289): RGAPIRRLDP[Glu279Gln]LSLPETQSRA